The following is an entry in ClinVar:

ClinVar aggregate classification (germline): Benign/Likely benign. Review status: criteria provided, multiple submitters, no conflicts (2 of 4 stars). 6 submissions from 5 submitters: Benign (1); Likely benign (4). 1 of the submissions does not count toward it. Last evaluated 2026-01-01.

Conditions:
NOTCH1-related disorder. Also called: NOTCH1-related disorders; NOTCH1-related condition.
Aortic valve disease 1 (AOVD1). Identifiers: MedGen C3887892, MONDO:0024523, OMIM 109730.
Adams-Oliver syndrome 5 (AOS5). Identifiers: Orphanet 974, MedGen C4014970, MONDO:0014459, OMIM 616028.
Familial thoracic aortic aneurysm and aortic dissection (TAAD). Also called: Thoracic aortic aneurysms and dissections. Identifiers: Orphanet 91387, MedGen C4707243, MONDO:0019625.

Allele frequency attached by ClinVar (database versions not stated): ExAC 0.00005; gnomAD exomes 0.00005 and 0.00006; gnomAD 0.00023 and 0.00024; TOPMed 0.00023.
gnomAD v4.1: 126 of 1,612,940 alleles (0.0078%); highest among the groups gnomAD compares: African/African-American, 0.083%; no homozygotes.

Submissions (6):

Labcorp Genetics (formerly Invitae), Labcorp
Classification: Likely benign for Adams-Oliver syndrome 5. Last evaluated: 2026-01-01. Review status: criteria provided, single submitter. Criteria: Invitae Variant Classification Sherloc (09022015). Collection method: clinical testing. Allele origin: germline.

Women's Health and Genetics/Laboratory Corporation of America, LabCorp
Classification: Benign. Last evaluated: 2023-08-10. Review status: criteria provided, single submitter. Criteria: LabCorp Variant Classification Summary - May 2015. Collection method: clinical testing. Allele origin: germline.

Genome-Nilou Lab
Classification: Likely benign for Adams-Oliver syndrome 5. Last evaluated: 2022-03-15. Review status: criteria provided, single submitter. Criteria: ACMG Guidelines, 2015. Collection method: clinical testing. Allele origin: germline. Affected: no.

Genome-Nilou Lab
Classification: Likely benign for Aortic valve disease 1. Last evaluated: 2022-03-15. Review status: criteria provided, single submitter. Criteria: ACMG Guidelines, 2015. Collection method: clinical testing. Allele origin: germline. Affected: no.

Ambry Genetics
Classification: Likely benign for Familial thoracic aortic aneurysm and aortic dissection. Last evaluated: 2015-09-22. Review status: criteria provided, single submitter. Criteria: Ambry Variant Classification Scheme 2023. Collection method: clinical testing. Allele origin: germline.

PreventionGenetics, part of Exact Sciences
Classification: Likely benign for NOTCH1-related condition. Last evaluated: 2024-09-23. Review status: no assertion criteria provided. Collection method: clinical testing. Allele origin: germline. Not counted in ClinVar's aggregate classification.
Comment: This variant is classified as likely benign based on ACMG/AMP sequence variant interpretation guidelines (Richards et al. 2015 PMID: 25741868, with internal and published modifications).

NM_017617.5(NOTCH1):c.1950C>T (p.Cys650=)

Gene: NOTCH1 (notch receptor 1; minus strand). Cytogenetic location: 9q34.3.
Variant type: single nucleotide variant.
Coding change: c.1950C>T on transcript NM_017617.5 (MANE Select); coding-DNA position 1950, C replaced by T.
Protein change: p.Cys650=; no amino-acid change (cysteine 650 retained).
Molecular consequence: synonymous variant.
Genome position (GRCh38, 1-based): chr9:136,515,354, G>A on the plus strand (C>T on the coding strand, the complement: NOTCH1 is on the minus strand). VCF-style: chr9-136515354-G-A. GRCh37 (hg19) VCF-style: chr9-139409806-G-A.
Other names: c.1950C>T, p.Cys650= (LRG_1122t1); c.1950C>T (NM_017617.4).
Identifiers: ClinVar variation 264403 (VCV000264403.18), dbSNP rs147086700, ClinGen allele CA5341559.
Genomic context (GRCh38, chr9:136,515,354, plus strand): 5'-GTAGCCCGGCTCACAGGCACACTCGTAGCCATCGATCTTGTCCAGACAGGTGCCCGAGTC[G>A]CAGGGGCTGCTGGCACAGTCATCCAGGTTGATCTCGCAGTTGGGTCCTGAAGGGGTGGCA-3'
Protein context (NP_060087.3, residues 640-660): INLDDCASSP[Cys650=]DSGTCLDKID